The following is an entry in ClinVar:

NM_018051.5(DYNC2I1):c.1358-789G>A

Gene: DYNC2I1 (dynein 2 intermediate chain 1; plus strand). Cytogenetic location: 7q36.3.
Variant type: single nucleotide variant.
Coding change: c.1358-789G>A on transcript NM_018051.5 (MANE Select); 789 bases into the intron before coding-DNA position 1358, G replaced by A.
Molecular consequence: intron variant. On other transcripts: missense variant (2).
Genome position (GRCh38, 1-based): chr7:158,905,200, G>A. VCF-style: chr7-158905200-G-A. GRCh37 (hg19) VCF-style: chr7-158697891-G-A.
Other names: c.26G>A, p.Gly9Asp (NM_001350917.2, NM_001350918.2); c.1220-789G>A (NM_001350914.2); c.-2+2605G>A (NM_001350916.2); c.785-789G>A (NM_001350915.2); short protein forms G9D.
Identifiers: ClinVar variation 3045034 (VCV003045034.2), dbSNP rs146718513, ClinGen allele CA4594607.

ClinVar aggregate classification (germline): Benign (0 of 4 stars; one submission).

Conditions:
DYNC2I1-related disorder. Also called: DYNC2I1-related condition.

Allele frequency attached by ClinVar (database versions not stated): TOPMed 0.00084; ExAC 0.00094; gnomAD exomes 0.00185; 1000 Genomes Project 30x 0.00203; 1000 Genomes Project 0.00220.
gnomAD v4.1: 862 of 390,392 alleles (0.22%); highest among the groups gnomAD compares: Non-Finnish European, 0.15%; 8 homozygotes.

Submission:

PreventionGenetics, part of Exact Sciences
Classification: Benign for DYNC2I1-related condition. Last evaluated: 2022-11-15. Review status: no assertion criteria provided. Collection method: clinical testing. Allele origin: germline.
Comment: This variant is classified as benign based on ACMG/AMP sequence variant interpretation guidelines (Richards et al. 2015 PMID: 25741868, with internal and published modifications).